The following is an entry in ClinVar:

NM_001378328.1(CELSR1):c.4518_4519insCC (p.Ala1507fs)

Gene: CELSR1 (cadherin EGF LAG seven-pass G-type receptor 1; minus strand). Cytogenetic location: 22q13.31.
Variant type: Insertion.
Coding change: c.4518_4519insCC on transcript NM_001378328.1 (MANE Select); coding-DNA positions 4518 to 4519, CC inserted.
Protein change: p.Ala1507fs; shifts the reading frame from alanine 1507.
Molecular consequence: frameshift variant.
Genome position: GRCh38 VCF-style: chr22-46436177-C-CGG. GRCh37 (hg19) VCF-style: chr22-46832074-C-CGG.
Other names: c.4518_4519insCC, p.Ala1507fs (NM_014246.4); short protein forms A1507fs.
Identifiers: ClinVar variation 719556 (VCV000719556.5), dbSNP rs749296817, ClinGen allele CA10294631.
Genomic context (GRCh38, chr22:46,436,177, plus strand): 5'-ACCCACAAAGTATCTGTGAATTGCTCAGAGCTGCCCTTCCTGGGGAGAAGGCCCCACCTG[C>CGG]AGAGAAGGTGAGCTGCACCTGCTCGTCCACGATCTCCAGGGCGATGAAGTCGTGCTTCTC-3'

ClinVar aggregate classification (germline): Likely benign. Review status: criteria provided, multiple submitters, no conflicts (2 of 4 stars). 3 submissions from 3 submitters: Likely benign (3). Last evaluated 2025-09-08.

Conditions:
CELSR1-related disorder. Also called: CELSR1-related condition.

Allele frequency attached by ClinVar (database versions not stated): gnomAD exomes 0.00268 and 0.00480; ExAC 0.00286; gnomAD 0.00321 and 0.00369.

Submissions (3):

PreventionGenetics, part of Exact Sciences
Classification: Likely benign for CELSR1-related condition. Last evaluated: 2025-09-08. Review status: criteria provided, single submitter. Criteria: ACMG Guidelines, 2015. Collection method: clinical testing. Allele origin: germline.
Comment: This variant is classified as likely benign based on ACMG/AMP sequence variant interpretation guidelines (Richards et al. 2015 PMID: 25741868, with internal and published modifications).

Blueprint Genetics
Classification: Likely benign. Last evaluated: 2024-11-25. Review status: criteria provided, single submitter. Criteria: ACMG Guidelines, 2015. Collection method: clinical testing. Allele origin: germline.

Labcorp Genetics (formerly Invitae), Labcorp
Classification: Likely benign. Last evaluated: 2017-11-01. Review status: criteria provided, single submitter. Criteria: Invitae Variant Classification Sherloc (09022015). Collection method: clinical testing. Allele origin: germline.